The following is an entry in ClinVar:

NM_000051.4(ATM):c.5171A>G (p.Glu1724Gly)

Gene: ATM (ATM serine/threonine kinase; plus strand). Cytogenetic location: 11q22.3.
Variant type: single nucleotide variant.
Coding change: c.5171A>G on transcript NM_000051.4 (MANE Select); coding-DNA position 5171, A replaced by G.
Protein change: p.Glu1724Gly; replaces glutamic acid 1724 with glycine.
Molecular consequence: missense variant.
Genome position (GRCh38, 1-based): chr11:108,299,879, A>G. VCF-style: chr11-108299879-A-G. GRCh37 (hg19) VCF-style: chr11-108170606-A-G.
Other names: c.5171A>G, p.Glu1724Gly (NM_001351834.2); short protein forms E1724G.
Identifiers: ClinVar variation 1391841 (VCV001391841.5), dbSNP rs2135893191, ClinGen allele CA382541195.

ClinVar aggregate classification (germline): Uncertain significance (1 of 4 stars; one submission).

Conditions:
Ataxia-telangiectasia syndrome (AT). Also called: Ataxia-telangiectasia, complementation group D; Ataxia telangiectasia (A-T); Cerebello-oculocutaneous telangiectasia; Immunodeficiency with ataxia telangiectasia; ATAXIA-TELANGIECTASIA, COMPLEMENTATION GROUP A; ATAXIA-TELANGIECTASIA, FRESNO VARIANT. Identifiers: Orphanet 100, MedGen C0004135, MONDO:0008840, OMIM 208900.

Submission:

Labcorp Genetics (formerly Invitae), Labcorp
Classification: Uncertain significance for Ataxia-telangiectasia syndrome. Last evaluated: 2024-09-04. Review status: criteria provided, single submitter. Criteria: Invitae Variant Classification Sherloc (09022015). Collection method: clinical testing. Allele origin: germline.
Comment: This sequence change replaces glutamic acid, which is acidic and polar, with glycine, which is neutral and non-polar, at codon 1724 of the ATM protein (p.Glu1724Gly). This variant is not present in population databases (gnomAD no frequency). This variant has not been reported in the literature in individuals affected with ATM-related conditions. ClinVar contains an entry for this variant (Variation ID: 1391841). An algorithm developed to predict the effect of missense changes on protein structure and function (PolyPhen-2) suggests that this variant is likely to be tolerated. In summary, the available evidence is currently insufficient to determine the role of this variant in disease. Therefore, it has been classified as a Variant of Uncertain Significance.